The following is an entry in ClinVar:

NM_000302.4(PLOD1):c.376T>G (p.Phe126Val)

Gene: PLOD1 (procollagen-lysine,2-oxoglutarate 5-dioxygenase 1; plus strand). Cytogenetic location: 1p36.22.
Variant type: single nucleotide variant.
Coding change: c.376T>G on transcript NM_000302.4 (MANE Select); coding-DNA position 376, T replaced by G.
Protein change: p.Phe126Val; replaces phenylalanine 126 with valine.
Molecular consequence: missense variant.
Genome position (GRCh38, 1-based): chr1:11,950,430, T>G. VCF-style: chr1-11950430-T-G. GRCh37 (hg19) VCF-style: chr1-12010487-T-G.
Other names: c.517T>G, p.Phe173Val (NM_001316320.2); short protein forms F126V, F173V.
Identifiers: ClinVar variation 575732 (VCV000575732.13), dbSNP rs144702307, ClinGen allele CA597887.

ClinVar aggregate classification (germline): Uncertain significance. Review status: criteria provided, multiple submitters, no conflicts (2 of 4 stars). 4 submissions from 4 submitters: Uncertain significance (4). Last evaluated 2025-03-10.

Conditions:
Ehlers-Danlos syndrome, kyphoscoliotic type 1 (EDSKSCL1). Also called: EHLERS-DANLOS SYNDROME, OCULAR-SCOLIOTIC TYPE; Ehlers-Danlos syndrome, hydroxylysine-deficient; PLOD1-Related Kyphoscoliotic Ehlers-Danlos Syndrome; EHLERS-DANLOS SYNDROME, TYPE VIA. Identifiers: Orphanet 1900, MedGen C0268342, MONDO:0016002, OMIM 225400. Disease mechanism: loss of function.
Familial thoracic aortic aneurysm and aortic dissection (TAAD). Also called: Thoracic aortic aneurysms and dissections. Identifiers: Orphanet 91387, MedGen C4707243, MONDO:0019625.

Allele frequency attached by ClinVar (database versions not stated): gnomAD exomes 0.00006; ESP Exome Variant Server 0.00008; gnomAD 0.00017 and 0.00018; TOPMed 0.00028; 1000 Genomes Project 0.00040; 1000 Genomes Project 30x 0.00047; ExAC 0.00006.
gnomAD v4.1: 70 of 1,614,150 alleles (0.0043%); highest among the groups gnomAD compares: African/African-American, 0.051%; 1 homozygote.

Submissions (4):

Women's Health and Genetics/Laboratory Corporation of America, LabCorp
Classification: Uncertain significance. Last evaluated: 2025-03-10. Review status: criteria provided, single submitter. Criteria: LabCorp Variant Classification Summary - May 2015. Collection method: clinical testing. Allele origin: germline.
Comment: Variant summary: PLOD1 c.376T>G (p.Phe126Val) results in a non-conservative amino acid change in the encoded protein sequence. Four of five in-silico tools predict a damaging effect of the variant on protein function. The variant allele was found at a frequency of 6.4e-05 in 251390 control chromosomes. This frequency is not significantly higher than estimated for a pathogenic variant in PLOD1 causing Ehlers-Danlos syndrome, kyphoscoliotic type 1, allowing no conclusion about variant significance. To our knowledge, no occurrence of c.376T>G in individuals affected with Ehlers-Danlos syndrome, kyphoscoliotic type 1 and no experimental evidence demonstrating its impact on protein function have been reported. ClinVar contains an entry for this variant (Variation ID: 575732). Based on the evidence outlined above, the variant was classified as uncertain significance.

Labcorp Genetics (formerly Invitae), Labcorp
Classification: Uncertain significance for Ehlers-Danlos syndrome, kyphoscoliotic type 1. Last evaluated: 2022-02-22. Review status: criteria provided, single submitter. Criteria: Invitae Variant Classification Sherloc (09022015). Collection method: clinical testing. Allele origin: germline.
Comment: This sequence change replaces phenylalanine, which is neutral and non-polar, with valine, which is neutral and non-polar, at codon 126 of the PLOD1 protein (p.Phe126Val). This variant is present in population databases (rs144702307, gnomAD 0.05%). This variant has not been reported in the literature in individuals affected with PLOD1-related conditions. ClinVar contains an entry for this variant (Variation ID: 575732). Algorithms developed to predict the effect of missense changes on protein structure and function are either unavailable or do not agree on the potential impact of this missense change (SIFT: "Deleterious"; PolyPhen-2: "Probably Damaging"; Align-GVGD: "Class C15"). In summary, the available evidence is currently insufficient to determine the role of this variant in disease. Therefore, it has been classified as a Variant of Uncertain Significance.

Ambry Genetics
Classification: Uncertain significance for Familial thoracic aortic aneurysm and aortic dissection. Last evaluated: 2021-07-09. Review status: criteria provided, single submitter. Criteria: Ambry Variant Classification Scheme 2023. Collection method: clinical testing. Allele origin: germline.

Center for Genomics, Ann and Robert H. Lurie Children's Hospital of Chicago
Classification: Uncertain significance for Ehlers-Danlos syndrome, kyphoscoliotic type 1. Last evaluated: 2021-04-14. Review status: criteria provided, single submitter. Criteria: ACMG Guidelines, 2015. Collection method: clinical testing. Allele origin: germline.
Comment: PLOD1 NM_000302.3 exon 4 p.Phe126Val (c.376T>G): This variant has not been reported in the literature but is present in 0.05% (22/41438) of African alleles in the Genome Aggregation Database. This variant is present in ClinVar (Variation ID:575732). Evolutionary conservation and computational predictive tools suggest that this variant may impact the protein. In summary, data on this variant is insufficient for disease classification. Therefore, the clinical significance of this variant is uncertain.